The following is an entry in ClinVar:

ClinVar aggregate classification (germline): Uncertain significance (1 of 4 stars; one submission).

Allele frequency attached by ClinVar (database versions not stated): gnomAD exomes below 0.00001; ExAC 0.00002.
gnomAD v4.1: 6 of 1,612,542 alleles (0.00037%); highest among the groups gnomAD compares: Admixed American, 0.0017%; no homozygotes.

Submission:

GeneDx
Classification: Uncertain significance. Last evaluated: 2023-05-02. Review status: criteria provided, single submitter. Criteria: GeneDx Variant Classification Process June 2021. Collection method: clinical testing. Allele origin: germline. Affected: yes.
Comment: In silico analysis supports that this missense variant has a deleterious effect on protein structure/function; Has not been previously published as pathogenic or benign to our knowledge

NM_015175.3(NBEAL2):c.7270C>T (p.Pro2424Ser)

Gene: NBEAL2 (neurobeachin like 2; plus strand). Cytogenetic location: 3p21.31.
Variant type: single nucleotide variant.
Coding change: c.7270C>T on transcript NM_015175.3 (MANE Select); coding-DNA position 7270, C replaced by T.
Protein change: p.Pro2424Ser; replaces proline 2424 with serine.
Molecular consequence: missense variant.
Genome position (GRCh38, 1-based): chr3:47,007,286, C>T. VCF-style: chr3-47007286-C-T. GRCh37 (hg19) VCF-style: chr3-47048776-C-T.
Other names: c.7168C>T, p.Pro2390Ser (NM_001365116.2); short protein forms P2390S, P2424S.
Identifiers: ClinVar variation 2663088 (VCV002663088.1), dbSNP rs772357442, ClinGen allele CA2362095.
Genomic context (GRCh38, chr3:47,007,286, plus strand): 5'-CCCTCCTGCCTGCAGGTGACTGTGAGTGCCAGTGGGCTGCTGGGCACCCACAGCTGGTTG[C>T]CCTATGACCGCAACATAAGCAACTACTTCAGCTTCAGCAAAGACCCCACCATGGGCAGCC-3'
Protein context (NP_055990.1, residues 2414-2434): SGLLGTHSWL[Pro2424Ser]YDRNISNYFS